The following is an entry in ClinVar:

ClinVar aggregate classification (germline): Uncertain significance (1 of 4 stars; one submission).

Conditions:
Dilated cardiomyopathy 1AA (CMD1AA). Also called: CARDIOMYOPATHY, DILATED, 1AA, WITH OR WITHOUT LEFT VENTRICULAR NONCOMPACTION; CARDIOMYOPATHY, FAMILIAL HYPERTROPHIC, 23, WITH OR WITHOUT LEFT VENTRICULAR NONCOMPACTION; Cardiomyopathy, dilated, 1AA, with or without LVNC. Identifiers: Orphanet 154, MedGen C2677338, MONDO:0012808, OMIM 612158.
Primary familial hypertrophic cardiomyopathy (HCM). Identifiers: Orphanet 99739, MedGen C0949658, MeSH D024741, MONDO:0024573. Inheritance: Various modes of inheritance.

Submission:

Labcorp Genetics (formerly Invitae), Labcorp
Classification: Uncertain significance for Primary familial hypertrophic cardiomyopathy; Dilated cardiomyopathy 1AA. Last evaluated: 2023-02-16. Review status: criteria provided, single submitter. Criteria: Invitae Variant Classification Sherloc (09022015). Collection method: clinical testing. Allele origin: germline.
Comment: This sequence change replaces alanine, which is neutral and non-polar, with valine, which is neutral and non-polar, at codon 634 of the ACTN2 protein (p.Ala634Val). This variant is not present in population databases (gnomAD no frequency). This variant has not been reported in the literature in individuals affected with ACTN2-related conditions. Advanced modeling of protein sequence and biophysical properties (such as structural, functional, and spatial information, amino acid conservation, physicochemical variation, residue mobility, and thermodynamic stability) performed at Invitae indicates that this missense variant is not expected to disrupt ACTN2 protein function. In summary, the available evidence is currently insufficient to determine the role of this variant in disease. Therefore, it has been classified as a Variant of Uncertain Significance.

NM_001103.4(ACTN2):c.1901C>T (p.Ala634Val)

Gene: ACTN2 (actinin alpha 2; plus strand). Cytogenetic location: 1q43.
Variant type: single nucleotide variant.
Coding change: c.1901C>T on transcript NM_001103.4 (MANE Select); coding-DNA position 1901, C replaced by T.
Protein change: p.Ala634Val; replaces alanine 634 with valine.
Molecular consequence: missense variant. On other transcripts: non-coding transcript variant (1).
Genome position (GRCh38, 1-based): chr1:236,754,008, C>T. VCF-style: chr1-236754008-C-T. GRCh37 (hg19) VCF-style: chr1-236917308-C-T.
Other names: c.1901C>T, p.Ala634Val (NM_001278343.2); c.1277C>T, p.Ala426Val (NM_001278344.2); c.1151C>T, p.Ala384Val (NM_001412150.1); short protein forms A384V, A426V, A634V.
Identifiers: ClinVar variation 2944339 (VCV002944339.3), dbSNP rs1659476900, ClinGen allele CA345386827.
Genomic context (GRCh38, chr1:236,754,008, plus strand): 5'-TGAAGCAACTCGTGCCCATCCGCGATCAATCCCTGCAGGAGGAGCTGGCTCGCCAGCATG[C>T]TAACGAGCGTCTGAGGCGCCAGTTTGCTGCCCAAGCCAATGCCATTGGGCCCTGGATCCA-3'
Protein context (NP_001094.1, residues 624-644): SLQEELARQH[Ala634Val]NERLRRQFAA